The following is an entry in ClinVar:

ClinVar aggregate classification (germline): Likely benign (1 of 4 stars; one submission).

Submission:

GeneDx
Classification: Likely benign. Last evaluated: 2016-05-13. Review status: criteria provided, single submitter. Criteria: GeneDx Variant Classification (06012015). Collection method: clinical testing. Allele origin: germline. Affected: yes.
Comment: This variant is considered likely benign or benign based on one or more of the following criteria: it is a conservative change, it occurs at a poorly conserved position in the protein, it is predicted to be benign by multiple in silico algorithms, and/or has population frequency not consistent with disease.

NM_003159.3(CDKL5):c.2797+14C>G

Genes: CDKL5 (cyclin dependent kinase like 5; plus strand), RS1 (retinoschisin 1; minus strand). Cytogenetic location: Xp22.13.
Variant type: single nucleotide variant.
Coding change: c.2797+14C>G on transcript NM_003159.3; 14 bases into the intron after coding-DNA position 2797, C replaced by G.
Molecular consequence: intron variant.
Genome position (GRCh38, 1-based): chrX:18,646,104, C>G. VCF-style: chrX-18646104-C-G. GRCh37 (hg19) VCF-style: chrX-18664224-C-G.
Other names: c.2797+14C>G (NM_001037343.2); c.326+1087G>C (NM_000330.4).
Identifiers: ClinVar variation 386106 (VCV000386106.3), dbSNP rs1057520263, ClinGen allele CA16608799.